The following is an entry in ClinVar:

NM_002334.4(LRP4):c.3345T>A (p.His1115Gln)

Gene: LRP4 (LDL receptor related protein 4; minus strand). Cytogenetic location: 11p11.2.
Variant type: single nucleotide variant.
Coding change: c.3345T>A on transcript NM_002334.4 (MANE Select); coding-DNA position 3345, T replaced by A.
Protein change: p.His1115Gln; replaces histidine 1115 with glutamine.
Molecular consequence: missense variant.
Genome position (GRCh38, 1-based): chr11:46,876,763, A>T on the plus strand (T>A on the coding strand, the complement: LRP4 is on the minus strand). VCF-style: chr11-46876763-A-T. GRCh37 (hg19) VCF-style: chr11-46898314-A-T.
Other names: c.3345T>A (NM_002334.3); short protein forms H1115Q.
Identifiers: ClinVar variation 2070688 (VCV002070688.5), dbSNP rs745844140, ClinGen allele CA5969627.
Genomic context (GRCh38, chr11:46,876,763, plus strand): 5'-GTTGCCAGACAGGTGGTCCCTGGGCTAGGAGGAAGGCCCACCTGTGGTGATGATGTCCTC[A>T]TGCTGTGAGCCATCCAGATTGGCACGACTGATCCTGTGCAGTGTGCTGTCAGACCAGTAC-3'
Protein context (NP_002325.2, residues 1105-1125): ISRANLDGSQ[His1115Gln]EDIITTGLQT

ClinVar aggregate classification (germline): Uncertain significance. Review status: criteria provided, multiple submitters, no conflicts (2 of 4 stars). 2 submissions from 2 submitters: Uncertain significance (2). Last evaluated 2024-04-08.

Conditions:
Cenani-Lenz syndactyly syndrome. Also called: CENANI SYNDACTYLISM; SYNDACTYLY, TYPE VII. Identifiers: Orphanet 3258, MedGen C1859309, MONDO:0008931, OMIM 212780.
Sclerosteosis 2 (SOST2). Identifiers: Orphanet 3152, MedGen C3280402, MONDO:0013679, OMIM 614305.
Congenital myasthenic syndrome 17. Identifiers: Orphanet 590, MedGen C4225377, MONDO:0014578, OMIM 616304.
Inborn genetic diseases. Identifiers: MedGen C0950123, MeSH D030342.

Allele frequency attached by ClinVar (database versions not stated): ExAC 0.00002; gnomAD 0.00002; TOPMed 0.00005.
gnomAD v4.1: 13 of 1,614,036 alleles (0.00081%); highest among the groups gnomAD compares: East Asian, 0.027%; no homozygotes.

Submissions (2):

Ambry Genetics
Classification: Uncertain significance for Inborn genetic diseases. Last evaluated: 2024-04-08. Review status: criteria provided, single submitter. Criteria: Ambry Variant Classification Scheme 2023. Collection method: clinical testing. Allele origin: germline.

Labcorp Genetics (formerly Invitae), Labcorp
Classification: Uncertain significance for Cenani-Lenz syndactyly syndrome; Sclerosteosis 2; Congenital myasthenic syndrome 17. Last evaluated: 2022-05-08. Review status: criteria provided, single submitter. Criteria: Invitae Variant Classification Sherloc (09022015). Collection method: clinical testing. Allele origin: germline.
Comment: Algorithms developed to predict the effect of missense changes on protein structure and function (SIFT, PolyPhen-2, Align-GVGD) all suggest that this variant is likely to be tolerated. This variant has not been reported in the literature in individuals affected with LRP4-related conditions. This variant is present in population databases (rs745844140, gnomAD 0.05%). This sequence change replaces histidine, which is basic and polar, with glutamine, which is neutral and polar, at codon 1115 of the LRP4 protein (p.His1115Gln). In summary, the available evidence is currently insufficient to determine the role of this variant in disease. Therefore, it has been classified as a Variant of Uncertain Significance.